The following is an entry in ClinVar:

NM_001367624.2(ZNF469):c.2546A>G (p.Asn849Ser)

Gene: ZNF469 (zinc finger protein 469; plus strand). Cytogenetic location: 16q24.2.
Variant type: single nucleotide variant.
Coding change: c.2546A>G on transcript NM_001367624.2 (MANE Select); coding-DNA position 2546, A replaced by G.
Protein change: p.Asn849Ser; replaces asparagine 849 with serine.
Molecular consequence: missense variant.
Genome position (GRCh38, 1-based): chr16:88,430,016, A>G. VCF-style: chr16-88430016-A-G. GRCh37 (hg19) VCF-style: chr16-88496424-A-G.
Other names: NM_001127464.1:c.2546A>G; short protein forms N849S.
Identifiers: ClinVar variation 2251231 (VCV002251231.2), dbSNP rs2507579129, ClinGen allele CA397073116.
Genomic context (GRCh38, chr16:88,430,016, plus strand): 5'-CCTCGGACCTGGACATGGAGGATGACGCCAAGCTGGACAGCCTCATCACAGAGGCGCTCA[A>G]CGGCATGGAGTACCAGTCGGACAACCCGGAGATCGACAGCAGCTTCATCGACGTCTTCGC-3'
Protein context (NP_001354553.1, residues 839-859): KLDSLITEAL[Asn849Ser]GMEYQSDNPE

ClinVar aggregate classification (germline): Uncertain significance (1 of 4 stars; one submission).

Conditions:
Cardiovascular phenotype. Identifiers: MedGen CN230736.

Allele frequency attached by ClinVar (database versions not stated): gnomAD exomes below 0.00001.
gnomAD v4.1: 3 of 1,550,362 alleles (0.00019%); highest among the groups gnomAD compares: East Asian, 0.0024%; no homozygotes.

Submission:

Ambry Genetics
Classification: Uncertain significance for Cardiovascular phenotype. Last evaluated: 2023-01-19. Review status: criteria provided, single submitter. Criteria: Ambry Variant Classification Scheme 2023. Collection method: clinical testing. Allele origin: germline.
Comment: The p.N849S variant (also known as c.2546A>G), located in coding exon 1 of the ZNF469 gene, results from an A to G substitution at nucleotide position 2546. The asparagine at codon 849 is replaced by serine, an amino acid with highly similar properties. This amino acid position is conserved. In addition, this alteration is predicted to be tolerated by in silico analysis. Since supporting evidence is limited at this time, the clinical significance of this alteration remains unclear.